The following is an entry in ClinVar:

ClinVar aggregate classification (germline): Uncertain significance (1 of 4 stars; one submission).

gnomAD v4.1: 23 of 1,614,082 alleles (0.0014%); highest among the groups gnomAD compares: African/African-American, 0.0093%; no homozygotes.

Submission:

Labcorp Genetics (formerly Invitae), Labcorp
Classification: Uncertain significance. Last evaluated: 2025-03-10. Review status: criteria provided, single submitter. Criteria: Invitae Variant Classification Sherloc (09022015). Collection method: clinical testing. Allele origin: germline.
Comment: This sequence change replaces alanine, which is neutral and non-polar, with serine, which is neutral and polar, at codon 486 of the C8A protein (p.Ala486Ser). This variant is present in population databases (rs772353770, gnomAD 0.02%). This variant has not been reported in the literature in individuals affected with C8A-related conditions. ClinVar contains an entry for this variant (Variation ID: 1509726). An algorithm developed to predict the effect of missense changes on protein structure and function (PolyPhen-2) suggests that this variant is likely to be disruptive. In summary, the available evidence is currently insufficient to determine the role of this variant in disease. Therefore, it has been classified as a Variant of Uncertain Significance.

NM_000562.3(C8A):c.1456G>T (p.Ala486Ser)

Gene: C8A (complement C8 alpha chain; plus strand). Cytogenetic location: 1p32.2.
Variant type: single nucleotide variant.
Coding change: c.1456G>T on transcript NM_000562.3 (MANE Select); coding-DNA position 1456, G replaced by T.
Protein change: p.Ala486Ser; replaces alanine 486 with serine.
Molecular consequence: missense variant.
Genome position (GRCh38, 1-based): chr1:56,912,478, G>T. VCF-style: chr1-56912478-G-T. GRCh37 (hg19) VCF-style: chr1-57378151-G-T.
Other names: short protein forms A486S.
Identifiers: ClinVar variation 1509726 (VCV001509726.6), dbSNP rs772353770, ClinGen allele CA875404.
Genomic context (GRCh38, chr1:56,912,478, plus strand): 5'-GAGGTGCTGCGGCACACAAGCCTGGGGCCTCTGGAGGCCAAGCGCCAGAACCTGCGCCGC[G>T]CCTTGGACCAGTATCTGATGGAATTCAATGCCTGCCGATGTGGGCCTTGCTTCAACAATG-3'
Protein context (NP_000553.1, residues 476-496): LEAKRQNLRR[Ala486Ser]LDQYLMEFNA